The following is an entry in ClinVar:

ClinVar aggregate classification (germline): Conflicting classifications of pathogenicity. Review status: criteria provided, conflicting classifications (1 of 4 stars). 2 submissions from 2 submitters: Uncertain significance (1); Likely benign (1). Last evaluated 2025-08-13.

Conditions:
DOCK11-related disorder. Also called: DOCK11-related condition.

gnomAD v4.1: 633 of 1,208,119 alleles (0.052%); highest among the groups gnomAD compares: East Asian, 0.33%; 1 homozygote.

Submissions (2):

Ambry Genetics
Classification: Uncertain significance. Last evaluated: 2025-08-13. Review status: criteria provided, single submitter. Criteria: Ambry Variant Classification Scheme 2023. Collection method: clinical testing. Allele origin: germline.

PreventionGenetics, part of Exact Sciences
Classification: Likely benign for DOCK11-related condition. Last evaluated: 2025-02-25. Review status: criteria provided, single submitter. Criteria: ACMG Guidelines, 2015. Collection method: clinical testing. Allele origin: germline.
Comment: This variant is classified as likely benign based on ACMG/AMP sequence variant interpretation guidelines (Richards et al. 2015 PMID: 25741868, with internal and published modifications).

NM_144658.4(DOCK11):c.3812A>G (p.Tyr1271Cys)

Gene: DOCK11 (dedicator of cytokinesis 11; plus strand). Cytogenetic location: Xq24.
Variant type: single nucleotide variant.
Coding change: c.3812A>G on transcript NM_144658.4 (MANE Select); coding-DNA position 3812, A replaced by G.
Protein change: p.Tyr1271Cys; replaces tyrosine 1271 with cysteine.
Molecular consequence: missense variant.
Genome position (GRCh38, 1-based): chrX:118,630,416, A>G. VCF-style: chrX-118630416-A-G. GRCh37 (hg19) VCF-style: chrX-117764379-A-G.
Other names: short protein forms Y1271C.
Identifiers: ClinVar variation 4243828 (VCV004243828.2).